The following is an entry in ClinVar:

NM_001365536.1(SCN9A):c.3543C>T (p.Ile1181=)

Genes: SCN1A-AS1 (SCN1A and SCN9A antisense RNA 1; plus strand), SCN9A (sodium voltage-gated channel alpha subunit 9; minus strand). Cytogenetic location: 2q24.3.
Variant type: single nucleotide variant.
Coding change: c.3543C>T on transcript NM_001365536.1 (MANE Select); coding-DNA position 3543, C replaced by T.
Protein change: p.Ile1181=; no amino-acid change (isoleucine 1181 retained).
Molecular consequence: synonymous variant.
Genome position (GRCh38, 1-based): chr2:166,242,586, G>A on the plus strand (C>T on the coding strand, the complement: SCN9A is on the minus strand). VCF-style: chr2-166242586-G-A. GRCh37 (hg19) VCF-style: chr2-167099096-G-A.
Other names: c.3510C>T, p.Ile1170= (NM_002977.4).
Identifiers: ClinVar variation 4782389 (VCV004782389.2).

ClinVar aggregate classification (germline): Conflicting classifications of pathogenicity. Review status: criteria provided, conflicting classifications (1 of 4 stars). 2 submissions from 2 submitters: Uncertain significance (1); Likely benign (1). Last evaluated 2025-06-08.

Conditions:
Neuropathy, hereditary sensory and autonomic, type 2A (HSAN2A). Also called: NEUROPATHY, PROGRESSIVE SENSORY, OF CHILDREN; NEUROPATHY, CONGENITAL SENSORY; NEUROPATHY, HEREDITARY SENSORY RADICULAR, AUTOSOMAL RECESSIVE; NEUROPATHY, HEREDITARY SENSORY, TYPE IIA; ACROOSTEOLYSIS, GIACCAI TYPE; ACROOSTEOLYSIS, NEUROGENIC. Identifiers: Orphanet 970, MedGen C2752089, MONDO:0024309, OMIM 201300.
Generalized epilepsy with febrile seizures plus, type 7 (GEFSP7). Also called: GEFS+, TYPE 7. Identifiers: Orphanet 36387, MedGen C2751778, MONDO:0013470, OMIM 613863.

gnomAD v4.1: 1 of 1,566,804 alleles (0.000064%); highest among the groups gnomAD compares: East Asian, 0.0024%; no homozygotes.

Submissions (2):

Labcorp Genetics (formerly Invitae), Labcorp
Classification: Uncertain significance for Neuropathy, hereditary sensory and autonomic, type 2A; Generalized epilepsy with febrile seizures plus, type 7. Last evaluated: 2025-06-08. Review status: criteria provided, single submitter. Criteria: Invitae Variant Classification Sherloc (09022015). Collection method: clinical testing. Allele origin: germline.
Comment: This sequence change affects codon 1170 of the SCN9A mRNA. It is a 'silent' change, meaning that it does not change the encoded amino acid sequence of the SCN9A protein. This variant is not present in population databases (gnomAD no frequency). This variant has not been reported in the literature in individuals affected with SCN9A-related conditions. Algorithms developed to predict the effect of sequence changes on RNA splicing suggest that this variant may disrupt the consensus splice site. In summary, the available evidence is currently insufficient to determine the role of this variant in disease. Therefore, it has been classified as a Variant of Uncertain Significance.

Blueprint Genetics
Classification: Likely benign. Last evaluated: 2024-04-04. Review status: criteria provided, single submitter. Criteria: ACMG Guidelines, 2015. Collection method: clinical testing. Allele origin: germline.